The following is an entry in ClinVar:

ClinVar aggregate classification (germline): Likely pathogenic (1 of 4 stars; one submission).

Submission:

GeneDx
Classification: Likely pathogenic. Last evaluated: 2025-11-30. Review status: criteria provided, single submitter. Criteria: GeneDx Variant Classification Process June 2021. Collection method: clinical testing. Allele origin: germline. Affected: yes.
Comment: In silico analysis supports that this missense variant has a deleterious effect on protein structure/function; Not observed at significant frequency in large population cohorts (gnomAD); Has not been previously published as pathogenic or benign to our knowledge

NM_000052.7(ATP7A):c.3935C>A (p.Ala1312Asp)

Gene: ATP7A (ATPase copper transporting alpha; plus strand). Cytogenetic location: Xq21.1.
Variant type: single nucleotide variant.
Coding change: c.3935C>A on transcript NM_000052.7 (MANE Select); coding-DNA position 3935, C replaced by A.
Protein change: p.Ala1312Asp; replaces alanine 1312 with aspartic acid.
Molecular consequence: missense variant. On other transcripts: non-coding transcript variant (1).
Genome position (GRCh38, 1-based): chrX:78,042,718, C>A. VCF-style: chrX-78042718-C-A. GRCh37 (hg19) VCF-style: chrX-77298216-C-A.
Other names: c.3701C>A, p.Ala1234Asp (NM_001282224.2); short protein forms A1234D, A1312D.
Identifiers: ClinVar variation 1678707 (VCV001678707.4), dbSNP rs2149111820, ClinGen allele CA413605295.